The following is an entry in ClinVar:

ClinVar aggregate classification (germline): Uncertain significance. Review status: criteria provided, multiple submitters, no conflicts (2 of 4 stars). 2 submissions from 2 submitters: Uncertain significance (2). Last evaluated 2025-06-11.

Conditions:
Hereditary cancer-predisposing syndrome. Also called: Neoplastic Syndromes, Hereditary; Tumor predisposition; Hereditary Cancer Syndrome; Hereditary neoplastic syndrome. Identifiers: Orphanet 140162, MedGen C0027672, MeSH D009386, MONDO:0015356.
Multiple endocrine neoplasia, type 2 (MEN2). Identifiers: Orphanet 653, MedGen C4048306, MONDO:0019003. Disease mechanism: gain of function.

Submissions (2):

Labcorp Genetics (formerly Invitae), Labcorp
Classification: Uncertain significance for Multiple endocrine neoplasia, type 2. Last evaluated: 2025-06-11. Review status: criteria provided, single submitter. Criteria: Invitae Variant Classification Sherloc (09022015). Collection method: clinical testing. Allele origin: germline.
Comment: This sequence change replaces aspartic acid, which is acidic and polar, with tyrosine, which is neutral and polar, at codon 277 of the RET protein (p.Asp277Tyr). This variant is not present in population databases (gnomAD no frequency). This variant has not been reported in the literature in individuals affected with RET-related conditions. ClinVar contains an entry for this variant (Variation ID: 3432264). An algorithm developed to predict the effect of missense changes on protein structure and function (PolyPhen-2) suggests that this variant is likely to be disruptive. In summary, the available evidence is currently insufficient to determine the role of this variant in disease. Therefore, it has been classified as a Variant of Uncertain Significance.

Ambry Genetics
Classification: Uncertain significance for Hereditary cancer-predisposing syndrome. Last evaluated: 2024-09-19. Review status: criteria provided, single submitter. Criteria: Ambry Variant Classification Scheme 2023. Collection method: clinical testing. Allele origin: germline.
Comment: The p.D277Y variant (also known as c.829G>T), located in coding exon 4 of the RET gene, results from a G to T substitution at nucleotide position 829. The aspartic acid at codon 277 is replaced by tyrosine, an amino acid with highly dissimilar properties. This amino acid position is conserved. In addition, the in silico prediction for this alteration is inconclusive. Based on the available evidence, the clinical significance of this variant remains unclear.

NM_020975.6(RET):c.829G>T (p.Asp277Tyr)

Gene: RET (ret proto-oncogene; plus strand). Cytogenetic location: 10q11.21.
Variant type: single nucleotide variant.
Coding change: c.829G>T on transcript NM_020975.6 (MANE Select); coding-DNA position 829, G replaced by T.
Protein change: p.Asp277Tyr; replaces aspartic acid 277 with tyrosine.
Molecular consequence: missense variant. On other transcripts: intron variant (22).
Genome position (GRCh38, 1-based): chr10:43,105,155, G>T. VCF-style: chr10-43105155-G-T. GRCh37 (hg19) VCF-style: chr10-43600603-G-T.
Other names: c.67G>T, p.Asp23Tyr (NM_001355216.2); c.829G>T, p.Asp277Tyr (NM_001406743.1, NM_001406744.1, NM_001406759.1 and 6 more transcripts); c.700G>T, p.Asp234Tyr (NM_001406761.1, NM_001406762.1, NM_001406764.1 and 2 more transcripts); c.541G>T, p.Asp181Tyr (NM_001406766.1, NM_001406767.1, NM_001406770.1); c.625+2526G>T (NM_001406773.1, NM_001406771.1, NM_001406782.1 and 5 more transcripts); c.496+2526G>T (NM_001406786.1, NM_001406783.1); c.338-3876G>T (NM_001406778.1, NM_001406775.1, NM_001406776.1 and 1 more transcripts); c.337+4433G>T (NM_001406790.1, NM_001406788.1, NM_001406789.1 and 1 more transcripts); and 2 more; short protein forms D234Y, D23Y, D277Y, D181Y.
Identifiers: ClinVar variation 3432264 (VCV003432264.2).